The following is an entry in ClinVar:

NM_003128.3(SPTBN1):c.4013T>A (p.Met1338Lys)

Gene: SPTBN1 (spectrin beta, non-erythrocytic 1; plus strand). Cytogenetic location: 2p16.2.
Variant type: single nucleotide variant.
Coding change: c.4013T>A on transcript NM_003128.3 (MANE Select); coding-DNA position 4013, T replaced by A.
Protein change: p.Met1338Lys; replaces methionine 1338 with lysine.
Molecular consequence: missense variant.
Genome position (GRCh38, 1-based): chr2:54,644,330, T>A. VCF-style: chr2-54644330-T-A. GRCh37 (hg19) VCF-style: chr2-54871467-T-A.
Other names: c.3974T>A, p.Met1325Lys (NM_178313.3); short protein forms M1325K, M1338K.
Identifiers: ClinVar variation 1989763 (VCV001989763.4), dbSNP rs2549553313, ClinGen allele CA346898809.

ClinVar aggregate classification (germline): Uncertain significance (1 of 4 stars; one submission).

Submission:

Labcorp Genetics (formerly Invitae), Labcorp
Classification: Uncertain significance. Last evaluated: 2022-07-28. Review status: criteria provided, single submitter. Criteria: Invitae Variant Classification Sherloc (09022015). Collection method: clinical testing. Allele origin: germline.
Comment: This sequence change replaces methionine, which is neutral and non-polar, with lysine, which is basic and polar, at codon 1338 of the SPTBN1 protein (p.Met1338Lys). In summary, the available evidence is currently insufficient to determine the role of this variant in disease. Therefore, it has been classified as a Variant of Uncertain Significance. Algorithms developed to predict the effect of missense changes on protein structure and function (SIFT, PolyPhen-2, Align-GVGD) all suggest that this variant is likely to be tolerated. This variant has not been reported in the literature in individuals affected with SPTBN1-related conditions. This variant is not present in population databases (gnomAD no frequency).